The following is an entry in ClinVar:

NM_000088.4(COL1A1):c.1121del (p.Gly374fs)

Gene: COL1A1 (collagen type I alpha 1 chain; minus strand). Cytogenetic location: 17q21.33.
Variant type: Deletion.
Coding change: c.1121del on transcript NM_000088.4 (MANE Select); coding-DNA position 1121, one base deleted (G; older notation c.1121delG).
Protein change: p.Gly374fs; shifts the reading frame from glycine 374.
Molecular consequence: frameshift variant.
Genome position (GRCh38, 1-based): chr17:50,195,601, C deleted on the plus strand (G on the coding strand, the reverse complement: COL1A1 is on the minus strand); the first of 2 consecutive C bases (chr17:50,195,601-50,195,602); deleting either gives the same sequence. VCF-style (leftmost placement, unchanged base first): chr17-50195600-GC-G. GRCh37 (hg19) VCF-style: chr17-48272961-GC-G.
Other names: c.1121delG (NM_000088.3); short protein forms G374fs.
Identifiers: ClinVar variation 456727 (VCV000456727.10), dbSNP rs1555574144, ClinGen allele CA658656716.

ClinVar aggregate classification (germline): Pathogenic. Review status: criteria provided, multiple submitters, no conflicts (2 of 4 stars). 2 submissions from 2 submitters: Pathogenic (2). Last evaluated 2025-06-04.

Conditions:
Osteogenesis imperfecta type I (OI1). Also called: OI, TYPE I; OSTEOGENESIS IMPERFECTA TARDA; OSTEOGENESIS IMPERFECTA WITH BLUE SCLERAE; Osteogenesis imperfecta type 1; Lobstein's Disease; Lobstein disease. Identifiers: Orphanet 216796, Orphanet 666, MedGen C0023931, MONDO:0008146, OMIM 166200. Disease mechanism: loss of function.

Submissions (2):

GeneDx
Classification: Pathogenic. Last evaluated: 2025-06-04. Review status: criteria provided, single submitter. Criteria: GeneDx Variant Classification Process June 2021. Collection method: clinical testing. Allele origin: germline. Affected: yes.
Comment: Frameshift variant predicted to result in protein truncation or nonsense mediated decay in a gene for which loss of function is a known mechanism of disease; Not observed at significant frequency in large population cohorts (gnomAD); This variant is associated with the following publications: (PMID: 38702915, 35909573)

Labcorp Genetics (formerly Invitae), Labcorp
Classification: Pathogenic for Osteogenesis imperfecta type I. Last evaluated: 2022-03-13. Review status: criteria provided, single submitter. Criteria: Invitae Variant Classification Sherloc (09022015). Collection method: clinical testing. Allele origin: germline.
Comment: This sequence change creates a premature translational stop signal (p.Gly374Alafs*167) in the COL1A1 gene. It is expected to result in an absent or disrupted protein product. Loss-of-function variants in COL1A1 are known to be pathogenic (PMID: 7942841, 9295084, 9443882). For these reasons, this variant has been classified as Pathogenic. ClinVar contains an entry for this variant (Variation ID: 456727). This variant has not been reported in the literature in individuals affected with COL1A1-related conditions. This variant is not present in population databases (gnomAD no frequency).

Literature cited by the submitters: PubMed 7942841 (cited by Labcorp Genetics (formerly Invitae), Labcorp); PubMed 9295084 (cited by Labcorp Genetics (formerly Invitae), Labcorp); PubMed 9443882 (cited by Labcorp Genetics (formerly Invitae), Labcorp).